The following is an entry in ClinVar:

NM_000388.4(CASR):c.27C>T (p.Val9=)

Gene: CASR (calcium sensing receptor; plus strand). Cytogenetic location: 3q21.1.
Variant type: single nucleotide variant.
Coding change: c.27C>T on transcript NM_000388.4 (MANE Select); coding-DNA position 27, C replaced by T.
Protein change: p.Val9=; no amino-acid change (valine 9 retained).
Molecular consequence: synonymous variant.
Genome position (GRCh38, 1-based): chr3:122,254,216, C>T. VCF-style: chr3-122254216-C-T. GRCh37 (hg19) VCF-style: chr3-121973063-C-T.
Other names: c.27C>T (NM_001178065.1); c.27C>T, p.Val9= (NM_001178065.2).
Identifiers: ClinVar variation 696697 (VCV000696697.18), dbSNP rs141880581, ClinGen allele CA2569404.

ClinVar aggregate classification (germline): Benign/Likely benign. Review status: criteria provided, multiple submitters, no conflicts (2 of 4 stars). 6 submissions from 6 submitters: Benign (1); Likely benign (4). 1 of the submissions does not count toward it. Last evaluated 2025-12-02.

Conditions:
Familial hypocalciuric hypercalcemia 1. Also called: Hypercalcemia, familial benign type 1. Identifiers: Orphanet 405, Orphanet 93372, MedGen C0342637, MONDO:0007791, OMIM 145980.
Neonatal severe primary hyperparathyroidism. Identifiers: Orphanet 417, MedGen C1832615, MONDO:0009397, OMIM 239200.
Epilepsy, idiopathic generalized, susceptibility to, 8. Identifiers: MedGen C2752062, MONDO:0013032, OMIM 612899.
Autosomal dominant hypocalcemia 1 (HYPOC1). Also called: HYPOCALCEMIA, FAMILIAL. Identifiers: MedGen C3715128, MONDO:0011013, OMIM 601198.
Familial hypocalciuric hypercalcemia (FHH). Also called: Familial benign hypercalcemia. Identifiers: Orphanet 405, MedGen C1809471, MONDO:0018458.
CASR-related disorder. Also called: CASR-related condition.
Nephrolithiasis/nephrocalcinosis. Identifiers: MedGen CN580796.

Allele frequency attached by ClinVar (database versions not stated): gnomAD exomes 0.00001 and 0.00004; ExAC 0.00004; gnomAD 0.00014 and 0.00016; ESP Exome Variant Server 0.00015; TOPMed 0.00015.
gnomAD v4.1: 32 of 1,613,346 alleles (0.002%); highest among the groups gnomAD compares: African/African-American, 0.041%; no homozygotes.

Submissions (6):

Labcorp Genetics (formerly Invitae), Labcorp
Classification: Likely benign for Familial hypocalciuric hypercalcemia; Autosomal dominant hypocalcemia 1. Last evaluated: 2025-12-02. Review status: criteria provided, single submitter. Criteria: Invitae Variant Classification Sherloc (09022015). Collection method: clinical testing. Allele origin: germline.

Women's Health and Genetics/Laboratory Corporation of America, LabCorp
Classification: Benign. Last evaluated: 2024-06-11. Review status: criteria provided, single submitter. Criteria: LabCorp Variant Classification Summary - May 2015. Collection method: clinical testing. Allele origin: germline.

Blueprint Genetics
Classification: Likely benign. Last evaluated: 2022-07-06. Review status: criteria provided, single submitter. Criteria: ACMG Guidelines, 2015. Collection method: clinical testing. Allele origin: germline.

Fulgent Genetics
Classification: Likely benign for Familial hypocalciuric hypercalcemia 1; Neonatal severe primary hyperparathyroidism; Autosomal dominant hypocalcemia 1; Epilepsy, idiopathic generalized, susceptibility to, 8. Last evaluated: 2022-02-03. Review status: criteria provided, single submitter. Criteria: ACMG Guidelines, 2015. Collection method: clinical testing. Allele origin: unknown.

Ambry Genetics
Classification: Likely benign for Nephrolithiasis/nephrocalcinosis. Last evaluated: 2020-03-04. Review status: criteria provided, single submitter. Criteria: Ambry Variant Classification Scheme 2023. Collection method: clinical testing. Allele origin: germline.

PreventionGenetics, part of Exact Sciences
Classification: Likely benign for CASR-related condition. Last evaluated: 2022-04-14. Review status: no assertion criteria provided. Collection method: clinical testing. Allele origin: germline. Not counted in ClinVar's aggregate classification.
Comment: This variant is classified as likely benign based on ACMG/AMP sequence variant interpretation guidelines (Richards et al. 2015 PMID: 25741868, with internal and published modifications).